The following is an entry in ClinVar:

ClinVar aggregate classification (germline): Pathogenic (1 of 4 stars; one submission).

Conditions:
Inosine triphosphatase deficiency. Also called: INOSINE TRIPHOSPHATE PYROPHOSPHOHYDROLASE DEFICIENCY. Identifiers: MedGen C0342800, MONDO:0013461, OMIM 613850.

Submission:

Labcorp Genetics (formerly Invitae), Labcorp
Classification: Pathogenic for Inosine triphosphatase deficiency. Last evaluated: 2022-09-21. Review status: criteria provided, single submitter. Criteria: Invitae Variant Classification Sherloc (09022015). Collection method: clinical testing. Allele origin: germline.
Comment: For these reasons, this variant has been classified as Pathogenic. Algorithms developed to predict the effect of sequence changes on RNA splicing suggest that this variant may disrupt the consensus splice site. This variant has not been reported in the literature in individuals affected with ITPA-related conditions. This variant is not present in population databases (gnomAD no frequency). This sequence change creates a premature translational stop signal (p.Phe31Valfs*11) in the ITPA gene. It is expected to result in an absent or disrupted protein product. Loss-of-function variants in ITPA are known to be pathogenic (PMID: 26224535).

Literature cited by the submitters: PubMed 26224535.

NM_033453.4(ITPA):c.90dup (p.Phe31fs)

Gene: ITPA (inosine triphosphatase; plus strand). Cytogenetic location: 20p13.
Variant type: Duplication.
Coding change: c.90dup on transcript NM_033453.4 (MANE Select); coding-DNA position 90, one base duplicated (G; older notation c.90dupG).
Protein change: p.Phe31fs; shifts the reading frame from phenylalanine 31.
Molecular consequence: frameshift variant. On other transcripts: intron variant (4), 5 prime UTR variant (1), non-coding transcript variant (2).
Genome position (GRCh38, 1-based): chr20:3,213,192, G duplicated. VCF-style (leftmost placement, unchanged base first): chr20-3213191-A-AG. GRCh37 (hg19) VCF-style: chr20-3193837-A-AG.
Other names: c.-274-66dup (NM_001324238.2, NM_001324236.2, NM_001351739.2); c.67-793dup (NM_001267623.2); c.-248dup (NM_001324237.2); c.90dup, p.Phe31fs (NM_001324240.2, NM_001424408.1); c.216dup, p.Phe73fs (NM_001424409.1); c.39dup, p.Phe14fs (NM_181493.4); short protein forms F14fs, F31fs, F73fs.
Identifiers: ClinVar variation 2031686 (VCV002031686.4), dbSNP rs2514423744, ClinGen allele CA2580097987.